The following is an entry in ClinVar:

ClinVar aggregate classification (germline): Conflicting classifications of pathogenicity. Review status: criteria provided, conflicting classifications (1 of 4 stars). 4 submissions from 4 submitters: Uncertain significance (2); Likely benign (1). 1 of the submissions does not count toward it. Last evaluated 2025-07-07.

Conditions:
Charlevoix-Saguenay spastic ataxia (SACS). Also called: Spastic ataxia of Charlevoix-Saguenay; AUTOSOMAL RECESSIVE SPASTIC ATAXIA OF CHARLEVOIX-SAGUENAY; SPASTIC ATAXIA 6, AUTOSOMAL RECESSIVE. Identifiers: Orphanet 98, MedGen C1849140, MONDO:0010041, OMIM 270550.
Spastic paraplegia. Identifiers: MedGen C0037772, HP:0001258.

Allele frequency attached by ClinVar (database versions not stated): gnomAD 0.00001; gnomAD exomes 0.00003; TOPMed 0.00003; ExAC 0.00004; ESP Exome Variant Server 0.00015.
gnomAD v4.1: 42 of 1,614,028 alleles (0.0026%); highest among the groups gnomAD compares: Non-Finnish European, 0.0035%; no homozygotes.

Submissions (4):

Labcorp Genetics (formerly Invitae), Labcorp
Classification: Likely benign for Spastic paraplegia. Last evaluated: 2025-07-07. Review status: criteria provided, single submitter. Criteria: Invitae Variant Classification Sherloc (09022015). Collection method: clinical testing. Allele origin: germline.

Blueprint Genetics
Classification: Uncertain significance. Last evaluated: 2024-06-06. Review status: criteria provided, single submitter. Criteria: ACMG Guidelines, 2015. Collection method: clinical testing. Allele origin: germline.

GeneDx
Classification: Uncertain significance. Last evaluated: 2016-11-29. Review status: criteria provided, single submitter. Criteria: GeneDx Variant Classification (06012015). Collection method: clinical testing. Allele origin: germline. Affected: yes.
Comment: The S4513N variant in the SACS gene has been reported in the heterozygous state along with two other variants in the SACS gene, phase unknown, in one individual with early-onset ataxia and spasticity (Synofzik et al., 2013). The S4513N variant was not observed with any significant frequency in approximately 6500 individuals of European and African American ancestry in the NHLBI Exome Sequencing Project, indicating it is not a common benign variant in these populations. The S4513N variant is a conservative amino acid substitution, which is not likely to impact secondary protein structure as these residues share similar properties. This substitution occurs at a position where amino acids with similar properties to Serine are tolerated across species. In silico analysis is inconsistent in its predictions as to whether or not the variant is damaging to the protein structure/function. Therefore, we interpret S4513N as a variant of uncertain significance.

Natera, Inc.
Classification: Uncertain significance for Charlevoix-Saguenay type spastic ataxia. Last evaluated: 2020-09-16. Review status: no assertion criteria provided. Collection method: clinical testing. Allele origin: germline. Not counted in ClinVar's aggregate classification.

NM_014363.6(SACS):c.13538G>A (p.Ser4513Asn)

Gene: SACS (sacsin molecular chaperone; minus strand). Cytogenetic location: 13q12.12.
Variant type: single nucleotide variant.
Coding change: c.13538G>A on transcript NM_014363.6 (MANE Select); coding-DNA position 13538, G replaced by A.
Protein change: p.Ser4513Asn; replaces serine 4513 with asparagine.
Molecular consequence: missense variant.
Genome position (GRCh38, 1-based): chr13:23,330,338, C>T on the plus strand (G>A on the coding strand, the complement: SACS is on the minus strand). VCF-style: chr13-23330338-C-T. GRCh37 (hg19) VCF-style: chr13-23904477-C-T.
Other names: c.13097G>A, p.Ser4366Asn (NM_001278055.2); short protein forms S4513N, S4366N.
Identifiers: ClinVar variation 373337 (VCV000373337.7), dbSNP rs138328181, ClinGen allele CA6909946.